The following is an entry in ClinVar:

ClinVar aggregate classification (germline): Benign/Likely benign. Review status: criteria provided, multiple submitters, no conflicts (2 of 4 stars). 6 submissions from 6 submitters: Benign (3); Likely benign (2). 1 of the submissions does not count toward it. Last evaluated 2025-11-16.

Conditions:
Inborn genetic diseases. Identifiers: MedGen C0950123, MeSH D030342.
Intellectual developmental disorder, X-linked 30. Also called: MENTAL RETARDATION, X-LINKED 47; Intellectual disability, X-linked 30. Identifiers: Orphanet 777, MedGen C0796237, MONDO:0010361, OMIM 300558.
PAK3-related disorder. Also called: PAK3-related condition.

Allele frequency attached by ClinVar (database versions not stated): gnomAD exomes 0.00025 and 0.00038; 1000 Genomes Project 30x 0.00083; ESP Exome Variant Server 0.00104; gnomAD 0.00057 and 0.00061; ExAC 0.00039; TOPMed 0.00072; 1000 Genomes Project 0.00079.
gnomAD v4.1: 355 of 1,205,216 alleles (0.029%); highest among the groups gnomAD compares: African/African-American, 0.21%; no homozygotes.

Submissions (6):

Labcorp Genetics (formerly Invitae), Labcorp
Classification: Benign. Last evaluated: 2025-11-16. Review status: criteria provided, single submitter. Criteria: Invitae Variant Classification Sherloc (09022015). Collection method: clinical testing. Allele origin: germline.

CeGaT Center for Human Genetics Tuebingen
Classification: Likely benign. Last evaluated: 2023-12-01. Review status: criteria provided, single submitter. Criteria: CeGaT Center For Human Genetics Tuebingen Variant Classification Criteria Version 2. Collection method: clinical testing. Allele origin: germline. Affected: yes. Observed: 2 variant alleles.
Comment: PAK3: BP4, BP7, BS2

Ambry Genetics
Classification: Likely benign for Inborn genetic diseases. Last evaluated: 2019-05-20. Review status: criteria provided, single submitter. Criteria: Ambry Variant Classification Scheme 2023. Collection method: clinical testing. Allele origin: germline.

Illumina Laboratory Services, Illumina
Classification: Benign for Intellectual developmental disorder, X-linked 30. Last evaluated: 2018-01-13. Review status: criteria provided, single submitter. Criteria: ICSL Variant Classification Criteria 13 December 2019. Collection method: clinical testing. Allele origin: germline.
Comment: This variant was observed in the ICSL laboratory as part of a predisposition screen in an ostensibly healthy population. It had not been previously curated by ICSL or reported in the Human Gene Mutation Database (HGMD: prior to June 1st, 2018), and was therefore a candidate for classification through an automated scoring system. Utilizing variant allele frequency, disease prevalence and penetrance estimates, and inheritance mode, an automated score was calculated to assess if this variant is too frequent to cause the disease. Based on the score and internal cut-off values, a variant classified as benign is not then subjected to further curation. The score for this variant resulted in a classification of benign for this disease.

Athena Diagnostics
Classification: Benign. Last evaluated: 2017-11-17. Review status: criteria provided, single submitter. Criteria: Athena Diagnostics Criteria. Collection method: clinical testing. Allele origin: germline.

PreventionGenetics, part of Exact Sciences
Classification: Likely benign for PAK3-related condition. Last evaluated: 2019-11-18. Review status: no assertion criteria provided. Collection method: clinical testing. Allele origin: germline. Not counted in ClinVar's aggregate classification.
Comment: This variant is classified as likely benign based on ACMG/AMP sequence variant interpretation guidelines (Richards et al. 2015 PMID: 25741868, with internal and published modifications).

NM_002578.5(PAK3):c.483A>G (p.Ala161=)

Gene: PAK3 (p21 (RAC1) activated kinase 3; plus strand). Cytogenetic location: Xq23.
Variant type: single nucleotide variant.
Coding change: c.483A>G on transcript NM_002578.5 (MANE Select); coding-DNA position 483, A replaced by G.
Protein change: p.Ala161=; no amino-acid change (alanine 161 retained).
Molecular consequence: synonymous variant. On other transcripts: non-coding transcript variant (2).
Genome position (GRCh38, 1-based): chrX:111,162,929, A>G. VCF-style: chrX-111162929-A-G. GRCh37 (hg19) VCF-style: chrX-110406157-A-G.
Other names: c.483A>G, p.Ala161= (NM_001128166.3, NM_001128167.3, NM_001324325.2 and 5 more transcripts); c.591A>G, p.Ala197= (NM_001128168.3); c.546A>G, p.Ala182= (NM_001128172.2); c.528A>G, p.Ala176= (NM_001128173.3, NM_001324327.2, NM_001324328.2 and 2 more transcripts).
Identifiers: ClinVar variation 367714 (VCV000367714.55), dbSNP rs146801179, ClinGen allele CA10492656.